The following is an entry in ClinVar:

NM_001130438.3(SPTAN1):c.5675A>G (p.Asn1892Ser)

Gene: SPTAN1 (spectrin alpha, non-erythrocytic 1; plus strand). Cytogenetic location: 9q34.11.
Variant type: single nucleotide variant.
Coding change: c.5675A>G on transcript NM_001130438.3 (MANE Select); coding-DNA position 5675, A replaced by G.
Protein change: p.Asn1892Ser; replaces asparagine 1892 with serine.
Molecular consequence: missense variant.
Genome position (GRCh38, 1-based): chr9:128,618,945, A>G. VCF-style: chr9-128618945-A-G. GRCh37 (hg19) VCF-style: chr9-131381224-A-G.
Other names: c.5600A>G, p.Asn1867Ser (NM_001195532.2); c.5675A>G, p.Asn1892Ser (NM_001363759.2, NM_001375310.1, NM_001375311.2 and 1 more transcripts); c.5615A>G, p.Asn1872Ser (NM_001363765.2, NM_001375314.2); c.5711A>G, p.Asn1904Ser (NM_001375312.2, NM_001375318.1); c.5660A>G, p.Asn1887Ser (NM_003127.4); short protein forms N1887S, N1867S, N1872S, N1892S, N1904S.
Identifiers: ClinVar variation 935249 (VCV000935249.10), dbSNP rs1425744048, ClinGen allele CA375078178.

ClinVar aggregate classification (germline): Uncertain significance (1 of 4 stars; one submission).

Conditions:
Early-infantile DEE. Also called: Early infantile epileptic encephalopathy; Ohtahara syndrome; Early infantile epileptic encephalopathy with suppression bursts. Identifiers: Orphanet 1934, MedGen C0393706, MONDO:0800491.

Allele frequency attached by ClinVar (database versions not stated): TOPMed below 0.00001; gnomAD 0.00001.
gnomAD v4.1: 3 of 1,614,026 alleles (0.00019%); highest among the groups gnomAD compares: African/African-American, 0.0013%; no homozygotes.

Submission:

Labcorp Genetics (formerly Invitae), Labcorp
Classification: Uncertain significance for Early-infantile DEE. Last evaluated: 2022-03-19. Review status: criteria provided, single submitter. Criteria: Invitae Variant Classification Sherloc (09022015). Collection method: clinical testing. Allele origin: germline.
Comment: This variant is present in population databases (no rsID available, gnomAD 0.0009%). Algorithms developed to predict the effect of missense changes on protein structure and function (SIFT, PolyPhen-2, Align-GVGD) all suggest that this variant is likely to be tolerated. ClinVar contains an entry for this variant (Variation ID: 935249). This variant has not been reported in the literature in individuals affected with SPTAN1-related conditions. This sequence change replaces asparagine, which is neutral and polar, with serine, which is neutral and polar, at codon 1892 of the SPTAN1 protein (p.Asn1892Ser). Algorithms developed to predict the effect of sequence changes on RNA splicing suggest that this variant may create or strengthen a splice site. In summary, the available evidence is currently insufficient to determine the role of this variant in disease. Therefore, it has been classified as a Variant of Uncertain Significance.